The following is an entry in ClinVar:

ClinVar aggregate classification (germline): Conflicting classifications of pathogenicity. Review status: criteria provided, conflicting classifications (1 of 4 stars). 3 submissions from 3 submitters: Uncertain significance (1); Likely benign (2). Last evaluated 2025-12-29.

Conditions:
TECTA-related disorder. Also called: TECTA-related condition.

Allele frequency attached by ClinVar (database versions not stated): ESP Exome Variant Server 0.00008; TOPMed 0.00010; gnomAD exomes 0.00023 and 0.00030; gnomAD 0.00024 and 0.00026; ExAC 0.00029.
gnomAD v4.1: 381 of 1,614,032 alleles (0.024%); highest among the groups gnomAD compares: Admixed American, 0.017%; no homozygotes.

Submissions (3):

PreventionGenetics, part of Exact Sciences
Classification: Likely benign for TECTA-related condition. Last evaluated: 2025-12-29. Review status: criteria provided, single submitter. Criteria: ACMG Guidelines, 2015. Collection method: clinical testing. Allele origin: germline.
Comment: This variant is classified as likely benign based on ACMG/AMP sequence variant interpretation guidelines (Richards et al. 2015 PMID: 25741868, with internal and published modifications).

Labcorp Genetics (formerly Invitae), Labcorp
Classification: Likely benign. Last evaluated: 2022-12-15. Review status: criteria provided, single submitter. Criteria: Invitae Variant Classification Sherloc (09022015). Collection method: clinical testing. Allele origin: germline.

GeneDx
Classification: Uncertain significance. Last evaluated: 2021-04-01. Review status: criteria provided, single submitter. Criteria: GeneDx Variant Classification Process June 2021. Collection method: clinical testing. Allele origin: germline. Affected: yes.
Comment: In silico analysis supports that this missense variant does not alter protein structure/function; Splice predictors suggest this variant may impact gene splicing. In the absence of RNA/functional studies, the actual effect of this sequence change is unknown; Has not been previously published as pathogenic or benign to our knowledge

NM_005422.4(TECTA):c.3791A>G (p.Asn1264Ser)

Genes: TBCEL-TECTA (TBCEL-TECTA readthrough; plus strand), TECTA (tectorin alpha; plus strand). Cytogenetic location: 11q23.3.
Variant type: single nucleotide variant.
Coding change: c.3791A>G on transcript NM_005422.4 (MANE Select); coding-DNA position 3791, A replaced by G.
Protein change: p.Asn1264Ser; replaces asparagine 1264 with serine.
Molecular consequence: missense variant.
Genome position (GRCh38, 1-based): chr11:121,145,802, A>G. VCF-style: chr11-121145802-A-G. GRCh37 (hg19) VCF-style: chr11-121016511-A-G.
Other names: c.4748A>G, p.Asn1583Ser (NM_001378761.1); short protein forms N1264S, N1583S.
Identifiers: ClinVar variation 1186418 (VCV001186418.8), dbSNP rs200871280, ClinGen allele CA6327291.